The following is an entry in ClinVar:

NM_000059.4(BRCA2):c.784G>A (p.Ala262Thr)

Gene: BRCA2 (BRCA2 DNA repair associated; plus strand). Cytogenetic location: 13q13.1.
Variant type: single nucleotide variant.
Coding change: c.784G>A on transcript NM_000059.4 (MANE Select); coding-DNA position 784, G replaced by A.
Protein change: p.Ala262Thr; replaces alanine 262 with threonine.
Molecular consequence: missense variant.
Genome position (GRCh38, 1-based): chr13:32,331,021, G>A. VCF-style: chr13-32331021-G-A. GRCh37 (hg19) VCF-style: chr13-32905158-G-A.
Other names: 1012G>A; short protein forms A262T.
Identifiers: ClinVar variation 38121 (VCV000038121.19), dbSNP rs397507393, ClinGen allele CA025308.
Genomic context (GRCh38, chr13:32,331,021, plus strand): 5'-AAAAATGATAGATTTATCGCTTCTGTGACAGACAGTGAAAACACAAATCAAAGAGAAGCT[G>A]CAAGTCATGGTAAGTCCTCTGTTTAGTTGAACTACAGGTTTTTTTGTTGTTGTTGTTTTG-3'
Protein context (NP_000050.3, residues 252-272): DSENTNQREA[Ala262Thr]SHGFGKTSGN

ClinVar aggregate classification (germline): Conflicting classifications of pathogenicity. Review status: criteria provided, conflicting classifications (1 of 4 stars). 7 submissions from 7 submitters: Uncertain significance (5); Likely benign (1). 1 of the submissions does not count toward it. Last evaluated 2025-10-15.

Conditions:
BRCA2-related cancer predisposition. Identifiers: MedGen CN377758, MONDO:0700269.
Hereditary cancer-predisposing syndrome. Also called: Tumor predisposition; Neoplastic Syndromes, Hereditary; Hereditary neoplastic syndrome; Hereditary Cancer Syndrome. Identifiers: Orphanet 140162, MedGen C0027672, MeSH D009386, MONDO:0015356.
Hereditary breast ovarian cancer syndrome. Also called: Hereditary breast and ovarian cancer; Hereditary breast and ovarian cancer syndrome (HBOC); Hereditary breast and/or ovarian cancer syndrome; Breast and ovarian cancer; Hereditary breast and ovarian cancer syndrome; BRCA1- and BRCA2-Associated Hereditary Breast and Ovarian Cancer. Identifiers: Orphanet 145, MedGen C0677776, MeSH D061325, MONDO:0003582. Disease mechanism: loss of function.
Breast-ovarian cancer, familial, susceptibility to, 2 (BROVCA2). Also called: BRCA2 Hereditary Breast and Ovarian Cancer. Identifiers: Orphanet 145, MedGen C2675520, MONDO:0012933, OMIM 612555. Disease mechanism: loss of function.

Allele frequency attached by ClinVar (database versions not stated): gnomAD exomes 0.00001; ExAC 0.00002.
gnomAD v4.1: 7 of 1,607,234 alleles (0.00044%); highest among the groups gnomAD compares: South Asian, 0.0077%; no homozygotes.

Submissions (7):

Labcorp Genetics (formerly Invitae), Labcorp
Classification: Uncertain significance for Hereditary breast ovarian cancer syndrome. Last evaluated: 2025-10-15. Review status: criteria provided, single submitter. Criteria: Invitae Variant Classification Sherloc (09022015). Collection method: clinical testing. Allele origin: germline.
Comment: This sequence change replaces alanine, which is neutral and non-polar, with threonine, which is neutral and polar, at codon 262 of the BRCA2 protein (p.Ala262Thr). This variant is present in population databases (rs397507393, gnomAD 0.007%). This missense change has been observed in individual(s) with breast and/or ovarian cancer (PMID: 32393398, 37277882). ClinVar contains an entry for this variant (Variation ID: 38121). Invitae Evidence Modeling of protein sequence and biophysical properties (such as structural, functional, and spatial information, amino acid conservation, physicochemical variation, residue mobility, and thermodynamic stability) indicates that this missense variant is not expected to disrupt BRCA2 protein function with a negative predictive value of 95%. Experimental studies are conflicting or provide insufficient evidence to determine the effect of this variant on BRCA2 function (PMID: 32393398). In summary, the available evidence is currently insufficient to determine the role of this variant in disease. Therefore, it has been classified as a Variant of Uncertain Significance.

Women's Health and Genetics/Laboratory Corporation of America, LabCorp
Classification: Uncertain significance. Last evaluated: 2025-08-28. Review status: criteria provided, single submitter. Criteria: LabCorp Variant Classification Summary - May 2015. Collection method: clinical testing. Allele origin: germline.
Comment: Variant summary: BRCA2 c.784G>A (p.Ala262Thr) results in a non-conservative amino acid change in the encoded protein sequence. Algorithms developed to predict the effect of missense changes on protein structure and function are either unavailable or do not agree on the potential impact of this missense change. The variant allele was found at a frequency of 8e-06 in 249784 control chromosomes. The available data on variant occurrences in the general population are insufficient to allow any conclusion about variant significance. c.784G>A has been observed in individual(s) affected with Hereditary Breast And Ovarian Cancer Syndrome (Sirisena_2020). These report(s) do not provide unequivocal conclusions about association of the variant with Hereditary Breast And Ovarian Cancer Syndrome.At least one publication has reported experimental evidence evaluating the variant and found that it had a very mild effect on protein function (Sirisena_2020). The following publication have been ascertained in the context of this evaluation (PMID: 32393398). ClinVar contains an entry for this variant (Variation ID: 38121). Based on the evidence outlined above, the variant was classified as uncertain significance.

All of Us Research Program, National Institutes of Health
Classification: Uncertain significance for BRCA2-related cancer predisposition. Last evaluated: 2024-08-23. Review status: criteria provided, single submitter. Criteria: ACMG Guidelines, 2015. Collection method: clinical testing. Allele origin: germline. Inheritance: Autosomal dominant inheritance. Observed: 1 variant allele, 1 heterozygote.
Comment: This missense variant replaces alanine with threonine at codon 262 of the BRCA2 protein. Computational prediction suggests that this variant may not impact protein structure and function. A functional study has reported that this variant may have a partial loss-of-function with mild sensitivity to PARP inhibitor and mislocalization to sites of DNA damage, but no sensitivity to cisplatin, MMC and other DNA damaging agents in Brca2-deficient mouse embryonic stem cells (PMID: 32393398). This variant has been reported in an individual affected with breast and ovarian cancer (PMID: 32393398), and it has been detected in a breast cancer case-control meta-analysis in 1/60466 cases and 1/53461 unaffected individuals (PMID: 33471991; Leiden Open Variation Database DB-ID BRCA2_007756). A multifactorial analysis has reported a likelihood ratio based on personal and family history of 0.538 from log(LR)=-0.269334614 (PMID: 31853058). This variant has been identified in 2/249784 chromosomes in the general population by the Genome Aggregation Database (gnomAD). The available evidence is insufficient to determine the role of this variant in disease conclusively. Therefore, this variant is classified as a Variant of Uncertain Significance.

This study involves interpretation of variants in research participants for the purpose of population health screening. Participant phenotype was not available at the time of variant classification. Additional details can be found in publication PMID: 35346344, PMCID: PMC8962531

Color Diagnostics, LLC DBA Color Health
Classification: Uncertain significance for Hereditary cancer-predisposing syndrome. Last evaluated: 2024-08-08. Review status: criteria provided, single submitter. Criteria: ACMG Guidelines, 2015. Collection method: clinical testing. Allele origin: germline.
Comment: This missense variant replaces alanine with threonine at codon 262 of the BRCA2 protein. Computational prediction suggests that this variant may not impact protein structure and function. A functional study has reported that this variant may have a partial loss-of-function with mild sensitivity to PARP inhibitor and mislocalization to sites of DNA damage, but no sensitivity to cisplatin, MMC and other DNA damaging agents in Brca2-deficient mouse embryonic stem cells (PMID: 32393398). This variant has been reported in an individual affected with breast and ovarian cancer (PMID: 32393398), and it has been detected in a breast cancer case-control meta-analysis in 1/60466 cases and 1/53461 unaffected individuals (PMID: 33471991; Leiden Open Variation Database DB-ID BRCA2_007756). A multifactorial analysis has reported a likelihood ratio based on personal and family history of 0.538 from log(LR)=-0.269334614 (PMID: 31853058). This variant has been identified in 2/249784 chromosomes in the general population by the Genome Aggregation Database (gnomAD). The available evidence is insufficient to determine the role of this variant in disease conclusively. Therefore, this variant is classified as a Variant of Uncertain Significance.

Quest Diagnostics Nichols Institute San Juan Capistrano
Classification: Uncertain significance. Last evaluated: 2023-03-31. Review status: criteria provided, single submitter. Criteria: Quest Diagnostics criteria. Collection method: clinical testing. Allele origin: unknown.
Comment: The frequency of this variant in the general population, 0.000008 (2/249784 chromosomes), is uninformative in assessment of its pathogenicity. In the published literature, the variant has been reported in an affected individual with breast and ovarian cancer with a family history of cancer (PMID: 32393398 (2020)), as well as in a breast cancer case and a control individual in a large scale breast cancer association study (PMID: 33471991 (2021), see also LOVD). A functional study observed a reduction in homologous recombination in a green fluorescent protein (GFP)-based reporter assay as compared to wild type (PMID: 32393398 (2020)). Analysis of this variant using bioinformatics tools for the prediction of the effect of amino acid changes on protein structure and function yielded predictions that this variant is benign. Based on the available information, we are unable to determine the clinical significance of this variant.

Ambry Genetics
Classification: Likely benign for Hereditary cancer-predisposing syndrome. Last evaluated: 2021-12-15. Review status: criteria provided, single submitter. Criteria: Ambry Variant Classification Scheme 2023. Collection method: clinical testing. Allele origin: germline.

Sharing Clinical Reports Project (SCRP)
Classification: Uncertain significance for Breast-ovarian cancer, familial 2. Last evaluated: 2010-06-21. Review status: no assertion criteria provided. Collection method: clinical testing. Allele origin: germline. Not counted in ClinVar's aggregate classification.

Literature cited by the submitters: PubMed 32393398 (cited by 6 submitters); PubMed 37277882 (cited by Labcorp Genetics (formerly Invitae), Labcorp); PubMed 31853058 (cited by All of Us Research Program, National Institutes of Health and Color Diagnostics, LLC DBA Color Health); PubMed 33471991 (cited by 3 submitters).